The following is an entry in ClinVar:

NM_001267550.2(TTN):c.2781A>C (p.Thr927=)

Gene: TTN (titin; minus strand). Cytogenetic location: 2q31.2.
Variant type: single nucleotide variant.
Coding change: c.2781A>C on transcript NM_001267550.2 (MANE Select); coding-DNA position 2781, A replaced by C.
Protein change: p.Thr927=; no amino-acid change (threonine 927 retained).
Molecular consequence: synonymous variant.
Genome position (GRCh38, 1-based): chr2:178,783,780, T>G on the plus strand (A>C on the coding strand, the complement: TTN is on the minus strand). VCF-style: chr2-178783780-T-G. GRCh37 (hg19) VCF-style: chr2-179648507-T-G.
Other names: p.T927T:ACA>ACC; p.Thr927=; c.2781A>C, p.Thr927= (NM_133379.5, NM_001256850.1, NM_133378.4); c.2643A>C, p.Thr881= (NM_133432.3, NM_133437.4, NM_003319.4); c.2781A>C (NM_001267550.1).
Identifiers: ClinVar variation 46851 (VCV000046851.46), dbSNP rs55892860, ClinGen allele CA283089.

ClinVar aggregate classification (germline): Benign/Likely benign. Review status: criteria provided, multiple submitters, no conflicts (2 of 4 stars). 23 submissions from 16 submitters: Benign (19); Likely benign (2). 2 of the submissions do not count toward it. Last evaluated 2026-02-04.

Conditions:
Cardiovascular phenotype. Identifiers: MedGen CN230736.
Dilated cardiomyopathy 1G (CMD1G). Identifiers: Orphanet 154, MedGen C1858763, MONDO:0011400, OMIM 604145.
Autosomal recessive limb-girdle muscular dystrophy type 2J (LGMDR10). Also called: Limb-girdle muscular dystrophy, type 2J; MUSCULAR DYSTROPHY, LIMB-GIRDLE, AUTOSOMAL RECESSIVE 10. Identifiers: Orphanet 140922, MedGen C1837342, MONDO:0012127, OMIM 608807.
Cardiomyopathy (CMYO). Also called: Cardiomyopathies. Identifiers: Orphanet 167848, MedGen C0878544, MONDO:0004994, HP:0001638. Inheritance: Various modes of inheritance.
Early-onset myopathy with fatal cardiomyopathy (CMYO5). Also called: CONGENITAL MYOPATHY 5 WITH CARDIOMYOPATHY; Salih Myopathy. Identifiers: Orphanet 289377, MedGen C2673677, MONDO:0012714, OMIM 611705. Disease mechanism: loss of function.
Myopathy, myofibrillar, 9, with early respiratory failure (MFM9). Also called: MYOPATHY, PROXIMAL, WITH EARLY RESPIRATORY MUSCLE INVOLVEMENT; Myopathy, distal, with early respiratory failure, autosomal dominant; Hereditary myopathy with early respiratory failure; EDSTROM MYOPATHY. Identifiers: Orphanet 178464, Orphanet 34521, MedGen C1863599, MONDO:0011362, OMIM 603689.
Tibial muscular dystrophy (TMD). Also called: Tibial muscular dystrophy, tardive; UDD MYOPATHY; Udd Distal Myopathy – Tibial Muscular Dystrophy. Identifiers: Orphanet 609, MedGen C1838244, MONDO:0010870, OMIM 600334.

Allele frequency attached by ClinVar (database versions not stated): gnomAD exomes 0.00139 and 0.00398; ExAC 0.00500; gnomAD 0.01493; TOPMed 0.01695; ESP Exome Variant Server 0.01699; 1000 Genomes Project 0.01877; 1000 Genomes Project 30x 0.01936.
gnomAD v4.1: 4,462 of 1,613,376 alleles (0.28%); highest among the groups gnomAD compares: African/African-American, 5.2%; 117 homozygotes.

Submissions (23):

Labcorp Genetics (formerly Invitae), Labcorp
Classification: Benign for Dilated cardiomyopathy 1G; Autosomal recessive limb-girdle muscular dystrophy type 2J. Last evaluated: 2026-02-04. Review status: criteria provided, single submitter. Criteria: Invitae Variant Classification Sherloc (09022015). Collection method: clinical testing. Allele origin: germline.

ARUP Laboratories, Molecular Genetics and Genomics, ARUP Laboratories
Classification: Benign. Last evaluated: 2025-07-01. Review status: criteria provided, single submitter. Criteria: ARUP Molecular Germline Variant Investigation Process 2024. Collection method: clinical testing. Allele origin: germline.

Molecular Diagnostic Laboratory for Inherited Cardiovascular Disease, Montreal Heart Institute
Classification: Benign. Last evaluated: 2025-04-09. Review status: criteria provided, single submitter. Criteria: ACMG Guidelines, 2015. Collection method: clinical testing. Allele origin: germline. Affected: no.

Athena Diagnostics
Classification: Benign. Last evaluated: 2024-05-20. Review status: criteria provided, single submitter. Criteria: Athena Diagnostics Criteria. Collection method: clinical testing. Allele origin: unknown.

Mayo Clinic Laboratories, Mayo Clinic
Classification: Benign. Last evaluated: 2021-10-27. Review status: criteria provided, single submitter. Criteria: ACMG Guidelines, 2015. Collection method: clinical testing. Allele origin: germline. Observed: 27 variant alleles.
Comment: BA1

Genome-Nilou Lab
Classification: Benign for Autosomal recessive limb-girdle muscular dystrophy type 2J. Last evaluated: 2021-09-10. Review status: criteria provided, single submitter. Criteria: ACMG Guidelines, 2015. Collection method: clinical testing. Allele origin: germline. Affected: no.

Genome-Nilou Lab
Classification: Benign for Myopathy, myofibrillar, 9, with early respiratory failure. Last evaluated: 2021-09-10. Review status: criteria provided, single submitter. Criteria: ACMG Guidelines, 2015. Collection method: clinical testing. Allele origin: germline. Affected: no.

Genome-Nilou Lab
Classification: Benign for Early-onset myopathy with fatal cardiomyopathy. Last evaluated: 2021-09-10. Review status: criteria provided, single submitter. Criteria: ACMG Guidelines, 2015. Collection method: clinical testing. Allele origin: germline. Affected: no.

Genome-Nilou Lab
Classification: Benign for Tibial muscular dystrophy. Last evaluated: 2021-09-10. Review status: criteria provided, single submitter. Criteria: ACMG Guidelines, 2015. Collection method: clinical testing. Allele origin: germline. Affected: no.

Women's Health and Genetics/Laboratory Corporation of America, LabCorp
Classification: Benign. Last evaluated: 2019-11-06. Review status: criteria provided, single submitter. Criteria: LabCorp Variant Classification Summary - May 2015. Collection method: clinical testing. Allele origin: germline.
Comment: Variant summary: TTN c.2781A>C alters a non-conserved nucleotide resulting in a synonymous change.5/5 computational tools predict no significant impact on normal splicing. However, these predictions have yet to be confirmed by functional studies. The variant allele was found at a frequency of 0.004 in 251150 control chromosomes, predominantly at a frequency of 0.055 within the African or African-American subpopulation in the gnomAD database(exome dataset), including 30 homozygotes. The observed variant frequency within African or African-American control individuals in the gnomAD database is approximately 90-fold the estimated maximal expected allele frequency for a pathogenic variant in TTN causing Cardiomyopathy phenotype (0.00063), strongly suggesting that the variant is a benign polymorphism found primarily in populations of African or African-American origin. To our knowledge, no occurrence of c.2781A>C in individuals affected with Cardiomyopathy and no experimental evidence demonstrating an impact on protein function have been reported. Co-occurrence with another pathogenic variant has been reported (TTR c.424G>A, p.Val142Ile; internal sample), providing supporting evidence for a benign role. Four clinical diagnostic laboratories have submitted clinical-significance assessments for this variant to ClinVar after 2014 without evidence for independent evaluation. All laboratories classified the variant as benign/likely benign. Based on the evidence outlined above, the variant was classified as benign.

Illumina Laboratory Services, Illumina
Classification: Benign for Autosomal recessive limb-girdle muscular dystrophy type 2J. Last evaluated: 2018-01-13. Review status: criteria provided, single submitter. Criteria: ICSL Variant Classification Criteria 13 December 2019. Collection method: clinical testing. Allele origin: germline.
Comment: This variant was observed in the ICSL laboratory as part of a predisposition screen in an ostensibly healthy population. It had not been previously curated by ICSL or reported in the Human Gene Mutation Database (HGMD: prior to June 1st, 2018), and was therefore a candidate for classification through an automated scoring system. Utilizing variant allele frequency, disease prevalence and penetrance estimates, and inheritance mode, an automated score was calculated to assess if this variant is too frequent to cause the disease. Based on the score and internal cut-off values, a variant classified as benign is not then subjected to further curation. The score for this variant resulted in a classification of benign for this disease.

Illumina Laboratory Services, Illumina
Classification: Benign for Early-onset myopathy with fatal cardiomyopathy. Last evaluated: 2018-01-13. Review status: criteria provided, single submitter. Criteria: ICSL Variant Classification Criteria 13 December 2019. Collection method: clinical testing. Allele origin: germline.
Comment: the same text as in the submission from Illumina Laboratory Services, Illumina above.

Illumina Laboratory Services, Illumina
Classification: Benign for Tibial muscular dystrophy. Last evaluated: 2018-01-13. Review status: criteria provided, single submitter. Criteria: ICSL Variant Classification Criteria 13 December 2019. Collection method: clinical testing. Allele origin: germline.
Comment: the same text as in the submission from Illumina Laboratory Services, Illumina above.

Illumina Laboratory Services, Illumina
Classification: Likely benign for Dilated cardiomyopathy 1G. Last evaluated: 2018-01-13. Review status: criteria provided, single submitter. Criteria: ICSL Variant Classification Criteria 13 December 2019. Collection method: clinical testing. Allele origin: germline.
Comment: This variant was observed in the ICSL laboratory as part of a predisposition screen in an ostensibly healthy population. It had not been previously curated by ICSL or reported in the Human Gene Mutation Database (HGMD: prior to June 1st, 2018), and was therefore a candidate for classification through an automated scoring system. Utilizing variant allele frequency, disease prevalence and penetrance estimates, and inheritance mode, an automated score was calculated to assess if this variant is too frequent to cause the disease. Based on the score and internal cut-off values, a variant classified as likely benign is not then subjected to further curation. The score for this variant resulted in a classification of likely benign for this disease.

Illumina Laboratory Services, Illumina
Classification: Benign for Myopathy, myofibrillar, 9, with early respiratory failure. Last evaluated: 2018-01-13. Review status: criteria provided, single submitter. Criteria: ICSL Variant Classification Criteria 13 December 2019. Collection method: clinical testing. Allele origin: germline.
Comment: the same text as in the submission from Illumina Laboratory Services, Illumina above.

CHEO Genetics Diagnostic Laboratory, Children's Hospital of Eastern Ontario
Classification: Benign for Cardiomyopathy. Last evaluated: 2016-03-03. Review status: criteria provided, single submitter. Criteria: ACMG Guidelines, 2015. Collection method: clinical testing. Allele origin: germline. Study: Canadian Open Genetics Repository.

Ambry Genetics
Classification: Benign for Cardiovascular phenotype. Last evaluated: 2015-05-27. Review status: criteria provided, single submitter. Criteria: Ambry Variant Classification Scheme 2023. Collection method: clinical testing. Allele origin: germline.

GeneDx
Classification: Benign. Last evaluated: 2014-04-07. Review status: criteria provided, single submitter. Criteria: GeneDx Variant Classification (06012015). Collection method: clinical testing. Allele origin: germline. Affected: yes.
Comment: This variant is considered likely benign or benign based on one or more of the following criteria: it is a conservative change, it occurs at a poorly conserved position in the protein, it is predicted to be benign by multiple in silico algorithms, and/or has population frequency not consistent with disease.

Genetic Services Laboratory, University of Chicago
Classification: Benign for AllHighlyPenetrant. Last evaluated: 2013-08-15. Review status: criteria provided, single submitter. Criteria: ACMG Guidelines, 2007. Collection method: clinical testing. Allele origin: germline.

Laboratory for Molecular Medicine, Mass General Brigham Personalized Medicine
Classification: Benign. Last evaluated: 2012-07-31. Review status: criteria provided, single submitter. Criteria: LMM Criteria. Collection method: clinical testing. Allele origin: germline. Observed: 25 variant alleles.

Breakthrough Genomics
Classification: Likely benign. Review status: criteria provided, single submitter. Criteria: ACMG Guidelines, 2015. Collection method: not provided. Allele origin: germline. Inheritance: Autosomal recessive inheritance. Affected: yes.

Clinical Genetics DNA and cytogenetics Diagnostics Lab, Erasmus MC, Erasmus Medical Center
Classification: Benign. Review status: no assertion criteria provided. Collection method: clinical testing. Allele origin: germline. Affected: yes. Study: VKGL Data-share Consensus. Not counted in ClinVar's aggregate classification.

Clinical Genetics, Academic Medical Center
Classification: Benign. Review status: no assertion criteria provided. Collection method: clinical testing. Allele origin: germline. Affected: yes. Study: VKGL Data-share Consensus. Not counted in ClinVar's aggregate classification.